The following is an entry in ClinVar:

NM_001447.3(FAT2):c.4241C>T (p.Ser1414Leu)

Genes: FAT2 (FAT atypical cadherin 2; minus strand), SLC36A1 (solute carrier family 36 member 1; plus strand). Cytogenetic location: 5q33.1.
Variant type: single nucleotide variant.
Coding change: c.4241C>T on transcript NM_001447.3 (MANE Select); coding-DNA position 4241, C replaced by T.
Protein change: p.Ser1414Leu; replaces serine 1414 with leucine.
Molecular consequence: missense variant.
Genome position (GRCh38, 1-based): chr5:151,551,522, G>A on the plus strand (C>T on the coding strand, the complement: FAT2 is on the minus strand). VCF-style: chr5-151551522-G-A. GRCh37 (hg19) VCF-style: chr5-150931083-G-A.
Other names: short protein forms S1414L.
Identifiers: ClinVar variation 2168720 (VCV002168720.4), dbSNP rs778228742, ClinGen allele CA3521601.

ClinVar aggregate classification (germline): Uncertain significance (1 of 4 stars; one submission).

Allele frequency attached by ClinVar (database versions not stated): TOPMed below 0.00001; ExAC 0.00001.
gnomAD v4.1: 4 of 1,614,178 alleles (0.00025%); highest among the groups gnomAD compares: South Asian, 0.0011%; no homozygotes.

Submission:

Labcorp Genetics (formerly Invitae), Labcorp
Classification: Uncertain significance. Last evaluated: 2022-10-02. Review status: criteria provided, single submitter. Criteria: Invitae Variant Classification Sherloc (09022015). Collection method: clinical testing. Allele origin: germline.
Comment: This sequence change replaces serine, which is neutral and polar, with leucine, which is neutral and non-polar, at codon 1414 of the FAT2 protein (p.Ser1414Leu). This variant has not been reported in the literature in individuals affected with FAT2-related conditions. This variant is present in population databases (rs778228742, gnomAD 0.003%). In summary, the available evidence is currently insufficient to determine the role of this variant in disease. Therefore, it has been classified as a Variant of Uncertain Significance. Advanced modeling of protein sequence and biophysical properties (such as structural, functional, and spatial information, amino acid conservation, physicochemical variation, residue mobility, and thermodynamic stability) performed at Invitae indicates that this missense variant is not expected to disrupt FAT2 protein function.